The following is an entry in ClinVar:

NM_000548.5(TSC2):c.1763A>T (p.Glu588Val)

Gene: TSC2 (TSC complex subunit 2; plus strand). Cytogenetic location: 16p13.3.
Variant type: single nucleotide variant.
Coding change: c.1763A>T on transcript NM_000548.5 (MANE Select); coding-DNA position 1763, A replaced by T.
Protein change: p.Glu588Val; replaces glutamic acid 588 with valine.
Molecular consequence: missense variant.
Genome position (GRCh38, 1-based): chr16:2,070,502, A>T. VCF-style: chr16-2070502-A-T. GRCh37 (hg19) VCF-style: chr16-2120503-A-T.
Other names: c.1763A>T, p.Glu588Val (NM_001077183.3, NM_001114382.3, NM_021055.3 and 6 more transcripts); c.1652A>T, p.Glu551Val (NM_001318827.2, NM_001406670.1, NM_001406678.1); c.1616A>T, p.Glu539Val (NM_001318829.2, NM_001406675.1, NM_001406676.1 and 1 more transcripts); c.1751A>T, p.Glu584Val (NM_001406671.1, NM_001406673.1); c.1706A>T, p.Glu569Val (NM_001406677.1); c.1163A>T, p.Glu388Val (NM_001406680.1, NM_001318831.2, NM_001406682.1 and 6 more transcripts); c.419A>T, p.Glu140Val (NM_001406691.1, NM_001406692.1, NM_001406693.1 and 6 more transcripts); c.161A>T, p.Glu54Val (NM_001406698.1); and 3 more; short protein forms E140V, E599V, E618V, E388V, E434V, E551V, E588V, E539V.
Identifiers: ClinVar variation 1779619 (VCV001779619.8), dbSNP rs2151279468, ClinGen allele CA394272864.

ClinVar aggregate classification (germline): Uncertain significance. Review status: criteria provided, multiple submitters, no conflicts (2 of 4 stars). 2 submissions from 2 submitters: Uncertain significance (2). Last evaluated 2022-02-23.

Conditions:
Tuberous sclerosis 2 (TSC2). Identifiers: Orphanet 805, MedGen C1860707, MONDO:0013199, OMIM 613254.
Hereditary cancer-predisposing syndrome. Also called: Tumor predisposition; Neoplastic Syndromes, Hereditary; Hereditary Cancer Syndrome; Hereditary neoplastic syndrome. Identifiers: Orphanet 140162, MedGen C0027672, MeSH D009386, MONDO:0015356.

Submissions (2):

Labcorp Genetics (formerly Invitae), Labcorp
Classification: Uncertain significance for Tuberous sclerosis 2. Last evaluated: 2022-02-23. Review status: criteria provided, single submitter. Criteria: Invitae Variant Classification Sherloc (09022015). Collection method: clinical testing. Allele origin: germline.
Comment: This sequence change replaces glutamic acid, which is acidic and polar, with valine, which is neutral and non-polar, at codon 588 of the TSC2 protein (p.Glu588Val). In summary, the available evidence is currently insufficient to determine the role of this variant in disease. Therefore, it has been classified as a Variant of Uncertain Significance. Advanced modeling of protein sequence and biophysical properties (such as structural, functional, and spatial information, amino acid conservation, physicochemical variation, residue mobility, and thermodynamic stability) performed at Invitae indicates that this missense variant is not expected to disrupt TSC2 protein function. This variant has not been reported in the literature in individuals affected with TSC2-related conditions. This variant is not present in population databases (gnomAD no frequency).

Ambry Genetics
Classification: Uncertain significance for Hereditary cancer-predisposing syndrome. Last evaluated: 2021-11-05. Review status: criteria provided, single submitter. Criteria: Ambry Variant Classification Scheme 2023. Collection method: clinical testing. Allele origin: germline.
Comment: The p.E588V variant (also known as c.1763A>T), located in coding exon 16 of the TSC2 gene, results from an A to T substitution at nucleotide position 1763. The glutamic acid at codon 588 is replaced by valine, an amino acid with dissimilar properties. This amino acid position is highly conserved in available vertebrate species. In addition, this alteration is predicted to be deleterious by in silico analysis. Since supporting evidence is limited at this time, the clinical significance of this alteration remains unclear.